The following is an entry in ClinVar:

ClinVar aggregate classification (germline): Uncertain significance (1 of 4 stars; one submission).

Conditions:
SEMA3E-related disorder. Also called: SEMA3E-related condition.

Submission:

PreventionGenetics, part of Exact Sciences
Classification: Uncertain significance for SEMA3E-related condition. Last evaluated: 2025-07-16. Review status: criteria provided, single submitter. Criteria: ACMG Guidelines, 2015. Collection method: clinical testing. Allele origin: germline.
Comment: The SEMA3E c.1613C>T variant is predicted to result in the amino acid substitution p.Ala538Val. To our knowledge, this variant has not been reported in the literature or in a large population database (gnomAD), indicating this variant is rare. At this time, the clinical significance of this variant is uncertain due to the absence of conclusive functional and genetic evidence.

NM_012431.3(SEMA3E):c.1613C>T (p.Ala538Val)

Gene: SEMA3E (semaphorin 3E; minus strand). Cytogenetic location: 7q21.11.
Variant type: single nucleotide variant.
Coding change: c.1613C>T on transcript NM_012431.3 (MANE Select); coding-DNA position 1613, C replaced by T.
Protein change: p.Ala538Val; replaces alanine 538 with valine.
Molecular consequence: missense variant.
Genome position (GRCh38, 1-based): chr7:83,392,609, G>A on the plus strand (C>T on the coding strand, the complement: SEMA3E is on the minus strand). VCF-style: chr7-83392609-G-A. GRCh37 (hg19) VCF-style: chr7-83021925-G-A.
Other names: c.1433C>T, p.Ala478Val (NM_001178129.2); short protein forms A478V, A538V.
Identifiers: ClinVar variation 4983523 (VCV004983523.1).